The following is an entry in ClinVar:

NM_017636.4(TRPM4):c.824T>A (p.Leu275His)

Gene: TRPM4 (transient receptor potential cation channel subfamily M member 4; plus strand). Cytogenetic location: 19q13.33.
Variant type: single nucleotide variant.
Coding change: c.824T>A on transcript NM_017636.4 (MANE Select); coding-DNA position 824, T replaced by A.
Protein change: p.Leu275His; replaces leucine 275 with histidine.
Molecular consequence: missense variant. On other transcripts: 5 prime UTR variant (2).
Genome position (GRCh38, 1-based): chr19:49,171,384, T>A. VCF-style: chr19-49171384-T-A. GRCh37 (hg19) VCF-style: chr19-49674641-T-A.
Other names: c.824T>A, p.Leu275His (NM_001195227.2); c.479T>A, p.Leu160His (NM_001321281.2); c.-730T>A (NM_001321282.2); c.302T>A, p.Leu101His (NM_001321283.2); c.-26T>A (NM_001321285.2); short protein forms L101H, L160H, L275H.
Identifiers: ClinVar variation 4615259 (VCV004615259.1).

ClinVar aggregate classification (germline): Uncertain significance (1 of 4 stars; one submission).

Conditions:
Cardiovascular phenotype. Identifiers: MedGen CN230736.

Submission:

Ambry Genetics
Classification: Uncertain significance for Cardiovascular phenotype. Last evaluated: 2025-11-05. Review status: criteria provided, single submitter. Criteria: Ambry Variant Classification Scheme 2023. Collection method: clinical testing. Allele origin: germline.
Comment: The p.L275H variant (also known as c.824T>A), located in coding exon 7 of the TRPM4 gene, results from a T to A substitution at nucleotide position 824. The leucine at codon 275 is replaced by histidine, an amino acid with similar properties. This amino acid position is well conserved in available vertebrate species. In addition, this alteration is predicted to be tolerated by in silico analysis. Based on the available evidence, the clinical significance of this variant remains unclear.